The following is an entry in ClinVar:

ClinVar aggregate classification (germline): Uncertain significance (1 of 4 stars; one submission).

Allele frequency attached by ClinVar (database versions not stated): gnomAD exomes below 0.00001 and 0.00001; TOPMed 0.00002; gnomAD 0.00003.
gnomAD v4.1: 26 of 1,614,006 alleles (0.0016%); highest among the groups gnomAD compares: Non-Finnish European, 0.0021%; no homozygotes.

Submission:

Labcorp Genetics (formerly Invitae), Labcorp
Classification: Uncertain significance. Last evaluated: 2024-10-22. Review status: criteria provided, single submitter. Criteria: Invitae Variant Classification Sherloc (09022015). Collection method: clinical testing. Allele origin: germline.
Comment: This sequence change replaces serine, which is neutral and polar, with proline, which is neutral and non-polar, at codon 1331 of the KANK1 protein (p.Ser1331Pro). This variant is present in population databases (no rsID available, gnomAD 0.007%). This variant has not been reported in the literature in individuals affected with KANK1-related conditions. ClinVar contains an entry for this variant (Variation ID: 1426438). An algorithm developed to predict the effect of missense changes on protein structure and function (PolyPhen-2) suggests that this variant is likely to be disruptive. In summary, the available evidence is currently insufficient to determine the role of this variant in disease. Therefore, it has been classified as a Variant of Uncertain Significance.

NM_015158.5(KANK1):c.3991T>C (p.Ser1331Pro)

Gene: KANK1 (KN motif and ankyrin repeat domains 1; plus strand). Cytogenetic location: 9p24.3.
Variant type: single nucleotide variant.
Coding change: c.3991T>C on transcript NM_015158.5 (MANE Select); coding-DNA position 3991, T replaced by C.
Protein change: p.Ser1331Pro; replaces serine 1331 with proline.
Molecular consequence: missense variant. On other transcripts: non-coding transcript variant (1).
Genome position (GRCh38, 1-based): chr9:744,584, T>C. VCF-style: chr9-744584-T-C. GRCh37 (hg19) VCF-style: chr9-744584-T-C.
Other names: c.3991T>C, p.Ser1331Pro (NM_001256876.3, NM_001256877.3, NM_001354334.2); c.3751T>C, p.Ser1251Pro (NM_001354331.2); c.3937T>C, p.Ser1313Pro (NM_001354332.2); c.3517T>C, p.Ser1173Pro (NM_001354333.2, NM_001354335.2, NM_001354337.2 and 2 more transcripts); c.3223T>C, p.Ser1075Pro (NM_001354336.2); c.3463T>C, p.Ser1155Pro (NM_001354338.2, NM_001354340.2, NM_001354344.2); c.3277T>C, p.Ser1093Pro (NM_001354339.2, NM_001354342.2, NM_001354343.2); short protein forms S1251P, S1313P, S1173P, S1331P, S1093P, S1075P, S1155P.
Identifiers: ClinVar variation 1426438 (VCV001426438.8), dbSNP rs1239918091, ClinGen allele CA372763891.
Genomic context (GRCh38, chr9:744,584, plus strand): 5'-GCAGGACACAAGGACATCGCTGTTCTTCTGTATGCCCATGTCAACTTTGCAAAAGCCCAG[T>C]CTCCGGTCAGTGTTGTGCATTTGGCATTTGTAAATAGGCTGAAATCCACCAGACTGGTGG-3'
Protein context (NP_055973.2, residues 1321-1341): YAHVNFAKAQ[Ser1331Pro]PGTPRLGRKT